The following is an entry in ClinVar:

NM_000441.2(SLC26A4):c.2005G>A (p.Asp669Asn)

Gene: SLC26A4 (solute carrier family 26 member 4; plus strand). Cytogenetic location: 7q22.3.
Variant type: single nucleotide variant.
Coding change: c.2005G>A on transcript NM_000441.2 (MANE Select); coding-DNA position 2005, G replaced by A.
Protein change: p.Asp669Asn; replaces aspartic acid 669 with asparagine.
Molecular consequence: missense variant.
Genome position (GRCh38, 1-based): chr7:107,702,028, G>A. VCF-style: chr7-107702028-G-A. GRCh37 (hg19) VCF-style: chr7-107342473-G-A.
Other names: short protein forms D669N.
Identifiers: ClinVar variation 554553 (VCV000554553.8), dbSNP rs777641484, ClinGen allele CA4432996.

ClinVar aggregate classification (germline): Pathogenic/Likely pathogenic. Review status: criteria provided, multiple submitters, no conflicts (2 of 4 stars). 5 submissions from 5 submitters: Pathogenic (2); Likely pathogenic (2). 1 of the submissions does not count toward it. Last evaluated 2025-07-07.

Conditions:
Autosomal recessive nonsyndromic hearing loss 4 (DFNB4). Also called: FOXI1-Related Pendred Syndrome; KCNJ10-Related Pendred Syndrome; DEAFNESS, AUTOSOMAL RECESSIVE 4, WITH ENLARGED VESTIBULAR AQUEDUCT, DIGENIC; Nonsyndromic enlarged vestibular aqueduct (NSEVA); Deafness, autosomal recessive 4, with enlarged vestibular aqueduct; Enlarged vestibular aqueduct, digenic. Identifiers: Orphanet 90636, MedGen C3538946, MONDO:0010933, OMIM 600791.
Pendred syndrome (PDS). Also called: THYROID DYSHORMONOGENESIS 2B; THYROID HORMONOGENESIS, GENETIC DEFECT IN, 2B; Pendred Syndrome (PDS); DEAFNESS WITH GOITER; GOITER-DEAFNESS SYNDROME; HYPOTHYROIDISM, CONGENITAL, DUE TO DYSHORMONOGENESIS, 2B. Identifiers: Orphanet 705, MedGen C0271829, MONDO:0010134, OMIM 274600.

Allele frequency attached by ClinVar (database versions not stated): gnomAD exomes below 0.00001 and 0.00001; gnomAD 0.00001; ExAC 0.00002.
gnomAD v4.1: 3 of 1,613,536 alleles (0.00019%); highest among the groups gnomAD compares: South Asian, 0.0011%; no homozygotes.

Submissions (5):

Natera, Inc.
Classification: Pathogenic for Pendred syndrome. Last evaluated: 2025-07-07. Review status: criteria provided, single submitter. Criteria: Natera Variant Classification Schema (03/2026). Collection method: clinical testing. Allele origin: germline.
Comment: The c.2005G>A variant in SLC26A4 is a missense variant predicted to cause substitution of aspartic acid to asparagine at amino acid 669. This variant is rare in the general population with a frequency below the threshold expected for the associated phenotype(s). This variant has been observed in one or more individuals affected with the associated recessive disease, as either homozygous or compound heterozygous with a second variant (PMID: 20601923, 15611902). Additionally, this variant has been observed to segregate in affected family members (PMID: 15611902). A different variant at the same position has been determined to be Pathogenic or Likely Pathogenic. Computational prediction algorithms indicate this variant is likely to affect gene or protein function. Given the available evidence, this variant is classified as Pathogenic.

GeneDx
Classification: Likely pathogenic. Last evaluated: 2024-04-26. Review status: criteria provided, single submitter. Criteria: GeneDx Variant Classification Process June 2021. Collection method: clinical testing. Allele origin: germline. Affected: yes.
Comment: Identified in patients with hearing loss in published literature (PMID: 15611902, 20601923); Not observed at significant frequency in large population cohorts (gnomAD); In silico analysis supports that this missense variant has a deleterious effect on protein structure/function; This variant is associated with the following publications: (PMID: 23711173, 33199029, 20601923, 15611902)

Labcorp Genetics (formerly Invitae), Labcorp
Classification: Pathogenic. Last evaluated: 2022-11-04. Review status: criteria provided, single submitter. Criteria: Invitae Variant Classification Sherloc (09022015). Collection method: clinical testing. Allele origin: germline.
Comment: ClinVar contains an entry for this variant (Variation ID: 554553). Advanced modeling of protein sequence and biophysical properties (such as structural, functional, and spatial information, amino acid conservation, physicochemical variation, residue mobility, and thermodynamic stability) performed at Invitae indicates that this missense variant is expected to disrupt SLC26A4 protein function. For these reasons, this variant has been classified as Pathogenic. This missense change has been observed in individual(s) with Pendred syndrome (PMID: 15611902, 20601923). In at least one individual the data is consistent with being in trans (on the opposite chromosome) from a pathogenic variant. This sequence change replaces aspartic acid, which is acidic and polar, with asparagine, which is neutral and polar, at codon 669 of the SLC26A4 protein (p.Asp669Asn). This variant is present in population databases (rs777641484, gnomAD 0.003%).

Baylor Genetics
Classification: Likely pathogenic for Autosomal recessive nonsyndromic hearing loss 4. Last evaluated: 2022-02-25. Review status: criteria provided, single submitter. Criteria: ACMG Guidelines, 2015. Collection method: clinical testing. Allele origin: unknown.

Counsyl
Classification: Uncertain significance for Pendred syndrome. Last evaluated: 2017-10-26. Review status: no assertion criteria provided. Collection method: clinical testing. Allele origin: unknown. Not counted in ClinVar's aggregate classification.

Literature cited by the submitters: PubMed 20601923 (cited by 3 submitters); PubMed 15611902 (cited by 3 submitters).